The following is an entry in ClinVar:

ClinVar aggregate classification (germline): Uncertain significance (1 of 4 stars; one submission).

gnomAD v4.1: 25 of 1,611,970 alleles (0.0016%); highest among the groups gnomAD compares: Non-Finnish European, 0.002%; no homozygotes.

Submission:

Labcorp Genetics (formerly Invitae), Labcorp
Classification: Uncertain significance. Last evaluated: 2024-04-15. Review status: criteria provided, single submitter. Criteria: Invitae Variant Classification Sherloc (09022015). Collection method: clinical testing. Allele origin: germline.
Comment: This sequence change falls in intron 11 of the CARD8 gene. It does not directly change the encoded amino acid sequence of the CARD8 protein. It affects a nucleotide within the consensus splice site. This variant is not present in population databases (gnomAD no frequency). This variant has not been reported in the literature in individuals affected with CARD8-related conditions. Variants that disrupt the consensus splice site are a relatively common cause of aberrant splicing (PMID: 17576681, 9536098). Algorithms developed to predict the effect of sequence changes on RNA splicing suggest that this variant may disrupt the consensus splice site. In summary, the available evidence is currently insufficient to determine the role of this variant in disease. Therefore, it has been classified as a Variant of Uncertain Significance.

Literature cited by the submitters: PubMed 17576681; PubMed 9536098.

NM_001184900.3(CARD8):c.1349-2A>G

Gene: CARD8 (caspase recruitment domain family member 8; minus strand). Cytogenetic location: 19q13.33.
Variant type: single nucleotide variant.
Coding change: c.1349-2A>G on transcript NM_001184900.3 (MANE Select); the canonical splice acceptor site of the intron before coding-DNA position 1349, A replaced by G.
Molecular consequence: splice acceptor variant. On other transcripts: intron variant (1).
Genome position (GRCh38, 1-based): chr19:48,211,977, T>C on the plus strand (A>G on the coding strand, the complement: CARD8 is on the minus strand). VCF-style: chr19-48211977-T-C. GRCh37 (hg19) VCF-style: chr19-48715234-T-C.
Other names: c.1033+3363A>G (NM_001351787.2); c.*28-2A>G (NM_001351791.2, NM_001351788.2, NM_001351789.2 and 4 more transcripts); c.1013-2A>G (NM_001351786.2); c.1034-2A>G (NM_001351784.2); c.1199-2A>G (NM_014959.5, NM_001351783.2, NM_001184901.1); c.1349-2A>G (NM_001351782.2); c.1031-2A>G (NM_001365950.1).
Identifiers: ClinVar variation 3613024 (VCV003613024.2).
Genomic context (GRCh38, chr19:48,211,977, plus strand): 5'-TTTCAGGTCCCCCATCCTGGCTTGGAGTTGCCGGTGGTTCTCCTTCACAAAGGCTGCACC[T>C]GGATGAAAGGGGGAGTTTCAGACTTTGAGAATCGTTCACTTACAGGATTCAGGATCTATA-3'